The following is an entry in ClinVar:

NM_033026.6(PCLO):c.4067G>C (p.Ser1356Thr)

Gene: PCLO (piccolo presynaptic cytomatrix protein; minus strand). Cytogenetic location: 7q21.11.
Variant type: single nucleotide variant.
Coding change: c.4067G>C on transcript NM_033026.6 (MANE Select); coding-DNA position 4067, G replaced by C.
Protein change: p.Ser1356Thr; replaces serine 1356 with threonine.
Molecular consequence: missense variant.
Genome position (GRCh38, 1-based): chr7:82,956,886, C>G on the plus strand (G>C on the coding strand, the complement: PCLO is on the minus strand). VCF-style: chr7-82956886-C-G. GRCh37 (hg19) VCF-style: chr7-82586202-C-G.
Other names: c.4067G>C (NM_033026.5); c.4067G>C, p.Ser1356Thr (NM_014510.3); short protein forms S1356T.
Identifiers: ClinVar variation 1366911 (VCV001366911.8), dbSNP rs377062928, ClinGen allele CA4320894.
Genomic context (GRCh38, chr7:82,956,886, plus strand): 5'-TCACCAAGTGAGCTTGATATTCCATCGGAAGAATATCCCGTGTCGCTCAGACCTTGGGGG[C>G]TTTTAGGCTGCTGAGAACTTGAGGTGTCTGATTTGTCATCTTCCTTTTCCTAAGCAGGGA-3'
Protein context (NP_149015.2, residues 1346-1366): SDTSSSQQPK[Ser1356Thr]PQGLSDTGYS

ClinVar aggregate classification (germline): Uncertain significance. Review status: criteria provided, multiple submitters, no conflicts (2 of 4 stars). 3 submissions from 3 submitters: Uncertain significance (3). Last evaluated 2026-09-10.

Conditions:
Inborn genetic diseases. Identifiers: MedGen C0950123, MeSH D030342.

Allele frequency attached by ClinVar (database versions not stated): 1000 Genomes Project 0.00020; 1000 Genomes Project 30x 0.00016; gnomAD exomes 0.00003.
gnomAD v4.1: 43 of 1,612,780 alleles (0.0027%); highest among the groups gnomAD compares: African/African-American, 0.027%; no homozygotes.

Submissions (3):

Ambry Genetics
Classification: Uncertain significance for Inborn genetic diseases. Last evaluated: 2026-09-10. Review status: criteria provided, single submitter. Criteria: Ambry Variant Classification Scheme 2023. Collection method: clinical testing. Allele origin: germline.

Labcorp Genetics (formerly Invitae), Labcorp
Classification: Uncertain significance. Last evaluated: 2026-01-19. Review status: criteria provided, single submitter. Criteria: Invitae Variant Classification Sherloc (09022015). Collection method: clinical testing. Allele origin: germline.
Comment: This sequence change replaces serine, which is neutral and polar, with threonine, which is neutral and polar, at codon 1356 of the PCLO protein (p.Ser1356Thr). This variant is present in population databases (rs377062928, gnomAD 0.03%). This variant has not been reported in the literature in individuals affected with PCLO-related conditions. ClinVar contains an entry for this variant (Variation ID: 1366911). Experimental studies and prediction algorithms are not available or were not evaluated, and the functional significance of this variant is currently unknown. In summary, the available evidence is currently insufficient to determine the role of this variant in disease. Therefore, it has been classified as a Variant of Uncertain Significance.

Women's Health and Genetics/Laboratory Corporation of America, LabCorp
Classification: Uncertain significance. Last evaluated: 2024-05-22. Review status: criteria provided, single submitter. Criteria: LabCorp Variant Classification Summary - May 2015. Collection method: clinical testing. Allele origin: germline.
Comment: Variant summary: PCLO c.4067G>C (p.Ser1356Thr) results in a conservative amino acid change in the encoded protein sequence. Three of five in-silico tools predict a benign effect of the variant on protein function. The variant allele was found at a frequency of 3.3e-05 in 245858 control chromosomes. The available data on variant occurrences in the general population are insufficient to allow any conclusion about variant significance. To our knowledge, no occurrence of c.4067G>C in individuals affected with Pontocerebellar Hypoplasia Type 3 and no experimental evidence demonstrating its impact on protein function have been reported. ClinVar contains an entry for this variant (Variation ID: 1366911). Based on the evidence outlined above, the variant was classified as uncertain significance.